The following is an entry in ClinVar:

ClinVar aggregate classification (germline): Uncertain significance (1 of 4 stars; one submission).

Submission:

Women's Health and Genetics/Laboratory Corporation of America, LabCorp
Classification: Uncertain significance. Last evaluated: 2025-12-03. Review status: criteria provided, single submitter. Criteria: LabCorp Variant Classification Summary - May 2015. Collection method: clinical testing. Allele origin: germline.
Comment: Variant summary: The variant involves the duplication of exons 7-15 in the NPRL3 gene. A presumed nomenclature of c.(547+1_548-1)_(*1320_?)dup has been designated for the purposes of this classification. The exact breakpoint at the 3' end of this variant is unknown, therefore this duplication may extend downstream of the annotated region of the gene. As it duplicates the termination codon, its effect on the encoded protein is unknown. The variant was absent in 117790 control chromosomes in the gnomAD database (Structural Variants v4.1 dataset). The available data on variant occurrences in the general population are insufficient to allow any conclusion about variant significance. To our knowledge, no occurrence of c.(547+1_548-1)_(*1320_?)dup in individuals affected with NPRL3-related conditions and no experimental evidence demonstrating its impact on protein function have been reported. ClinVar contains an entry for this variant (Variation ID: 833196). Based on the evidence outlined above, the variant was classified as uncertain significance.

NC_000016.9:g.(?_135384)_(160605_162620)dup

Genes: MPG (N-methylpurine DNA glycosylase; plus strand), NPRL3 (NPR3 like, GATOR1 complex subunit; minus strand). Cytogenetic location: 16p13.3.
Variant type: Duplication.
Identifiers: ClinVar variation 4688627 (VCV004688627.1).